The following is an entry in ClinVar:

ClinVar aggregate classification (germline): Conflicting classifications of pathogenicity. Review status: criteria provided, conflicting classifications (1 of 4 stars). 4 submissions from 4 submitters: Pathogenic (1); Likely pathogenic (2); Uncertain significance (1). Last evaluated 2025-12-17.

Conditions:
MEGF10-related myopathy (CMYO10A). Also called: Congenital myopathy 10A, severe variant. Identifiers: Orphanet 439212, MedGen C3280679, MONDO:0013731, OMIM 614399.

Allele frequency attached by ClinVar (database versions not stated): ExAC 0.00002; gnomAD 0.00006 and 0.00007; gnomAD exomes 0.00006; ESP Exome Variant Server 0.00008; TOPMed 0.00008.
gnomAD v4.1: 198 of 1,613,924 alleles (0.012%); highest among the groups gnomAD compares: Admixed American, 0.018%; no homozygotes.

Submissions (4):

Mayo Clinic Laboratories, Mayo Clinic
Classification: Likely pathogenic. Last evaluated: 2025-12-17. Review status: criteria provided, single submitter. Criteria: ACMG Guidelines, 2015. Collection method: clinical testing. Allele origin: germline. Observed: 1 variant allele.
Comment: PM2_supporting, PVS1

Labcorp Genetics (formerly Invitae), Labcorp
Classification: Likely pathogenic for MEGF10-related myopathy. Last evaluated: 2025-11-05. Review status: criteria provided, single submitter. Criteria: Invitae Variant Classification Sherloc (09022015). Collection method: clinical testing. Allele origin: germline.
Comment: This sequence change affects an acceptor splice site in intron 22 of the MEGF10 gene. It is expected to disrupt RNA splicing. Variants that disrupt the donor or acceptor splice site typically lead to a loss of protein function (PMID: 16199547), and loss-of-function variants in MEGF10 are known to be pathogenic (PMID: 22101682, 22371254, 23453856, 23954233). This variant is present in population databases (rs199750143, gnomAD 0.02%). This variant has not been reported in the literature in individuals affected with MEGF10-related conditions. ClinVar contains an entry for this variant (Variation ID: 472739). Algorithms developed to predict the effect of sequence changes on RNA splicing suggest that this variant may disrupt the consensus splice site. In summary, the currently available evidence indicates that the variant is pathogenic, but additional data are needed to prove that conclusively. Therefore, this variant has been classified as Likely Pathogenic.

CeGaT Center for Human Genetics Tuebingen
Classification: Pathogenic. Last evaluated: 2023-02-01. Review status: criteria provided, single submitter. Criteria: CeGaT Center For Human Genetics Tuebingen Variant Classification Criteria Version 2. Collection method: clinical testing. Allele origin: germline. Affected: yes. Observed: 2 variant alleles.
Comment: MEGF10: PVS1, PM2, PM3

GeneDx
Classification: Uncertain significance. Last evaluated: 2021-03-22. Review status: criteria provided, single submitter. Criteria: GeneDx Variant Classification Process June 2021. Collection method: clinical testing. Allele origin: germline. Affected: yes.
Comment: Canonical splice site variant in a gene for which loss-of-function is a known mechanism of disease; Has not been previously published as pathogenic or benign to our knowledge

Literature cited by the submitters: PubMed 31589614 (cited by Mayo Clinic Laboratories, Mayo Clinic); PubMed 16199547 (cited by Labcorp Genetics (formerly Invitae), Labcorp); PubMed 22101682 (cited by Labcorp Genetics (formerly Invitae), Labcorp); PubMed 22371254 (cited by Labcorp Genetics (formerly Invitae), Labcorp); PubMed 23453856 (cited by Labcorp Genetics (formerly Invitae), Labcorp); PubMed 23954233 (cited by Labcorp Genetics (formerly Invitae), Labcorp).

NM_001256545.2(MEGF10):c.2857-2A>G

Gene: MEGF10 (multiple EGF like domains 10; plus strand). Cytogenetic location: 5q23.2.
Variant type: single nucleotide variant.
Coding change: c.2857-2A>G on transcript NM_001256545.2 (MANE Select); the canonical splice acceptor site of the intron before coding-DNA position 2857, A replaced by G.
Molecular consequence: splice acceptor variant.
Genome position (GRCh38, 1-based): chr5:127,449,097, A>G. VCF-style: chr5-127449097-A-G. GRCh37 (hg19) VCF-style: chr5-126784789-A-G.
Other names: c.2857-2A>G (NM_032446.3).
Identifiers: ClinVar variation 472739 (VCV000472739.53), dbSNP rs199750143, ClinGen allele CA3392060.
Genomic context (GRCh38, chr5:127,449,097, plus strand): 5'-AACGCTGTGCTGTGCCGCATTGTATTTTGTTTTTAATCTTTCGTTGTTTATATTTTTAAC[A>G]GTCAAAAAACAATCAACTGTTTGTGAATCTTAAAAATGTGAACCCTGGGAAGAGAGGCCC-3'